The following is an entry in ClinVar:

ClinVar aggregate classification (germline): Uncertain significance. Review status: criteria provided, multiple submitters, no conflicts (2 of 4 stars). 4 submissions from 4 submitters: Uncertain significance (4). Last evaluated 2025-08-20.

Conditions:
Pheochromocytoma/paraganglioma syndrome 3. Also called: GLOMUS TUMORS, FAMILIAL, 3; SDHC-Related Hereditary Paraganglioma-Pheochromocytoma Syndrome (Paragangliomas 3); Paragangliomas 3; SDHC-Related Hereditary Paraganglioma-Pheochromocytoma Syndrome. Identifiers: Orphanet 29072, MedGen C1854336, MONDO:0011544, OMIM 605373.
Gastrointestinal stromal tumor. Also called: Gastrointestinal stromal tumor, somatic; Gastrointestinal stroma tumor. Identifiers: Orphanet 44890, MedGen C0238198, MeSH D046152, MONDO:0011719, OMIM 606764, HP:0100723.
Hereditary cancer-predisposing syndrome. Also called: Neoplastic Syndromes, Hereditary; Hereditary Cancer Syndrome; Hereditary neoplastic syndrome; Tumor predisposition. Identifiers: Orphanet 140162, MedGen C0027672, MeSH D009386, MONDO:0015356.

Allele frequency attached by ClinVar (database versions not stated): gnomAD 0.00001; TOPMed 0.00002.
gnomAD v4.1: 2 of 1,613,790 alleles (0.00012%); highest among the groups gnomAD compares: African/African-American, 0.0027%; no homozygotes.

Submissions (4):

Labcorp Genetics (formerly Invitae), Labcorp
Classification: Uncertain significance for Pheochromocytoma/paraganglioma syndrome 3; Gastrointestinal stromal tumor. Last evaluated: 2025-08-20. Review status: criteria provided, single submitter. Criteria: Invitae Variant Classification Sherloc (09022015). Collection method: clinical testing. Allele origin: germline.
Comment: This sequence change replaces glutamic acid, which is acidic and polar, with alanine, which is neutral and non-polar, at codon 39 of the SDHC protein (p.Glu39Ala). This variant is not present in population databases (gnomAD no frequency). This variant has not been reported in the literature in individuals affected with SDHC-related conditions. ClinVar contains an entry for this variant (Variation ID: 407049). Invitae Evidence Modeling of protein sequence and biophysical properties (such as structural, functional, and spatial information, amino acid conservation, physicochemical variation, residue mobility, and thermodynamic stability) indicates that this missense variant is expected to disrupt SDHC protein function with a positive predictive value of 95%. In summary, the available evidence is currently insufficient to determine the role of this variant in disease. Therefore, it has been classified as a Variant of Uncertain Significance.

Ambry Genetics
Classification: Uncertain significance for Hereditary cancer-predisposing syndrome. Last evaluated: 2023-11-15. Review status: criteria provided, single submitter. Criteria: Ambry Variant Classification Scheme 2023. Collection method: clinical testing. Allele origin: germline.
Comment: The p.E39A variant (also known as c.116A>C), located in coding exon 3 of the SDHC gene, results from an A to C substitution at nucleotide position 116. The glutamic acid at codon 39 is replaced by alanine, an amino acid with dissimilar properties. This amino acid position is not well conserved in available vertebrate species. In addition, the in silico prediction for this alteration is inconclusive. Since supporting evidence is limited at this time, the clinical significance of this alteration remains unclear.

Baylor Genetics
Classification: Uncertain significance for Gastrointestinal stromal tumor. Last evaluated: 2023-08-02. Review status: criteria provided, single submitter. Criteria: ACMG Guidelines, 2015. Collection method: clinical testing. Allele origin: unknown.

Sema4
Classification: Uncertain significance for Hereditary cancer-predisposing syndrome. Last evaluated: 2022-02-13. Review status: criteria provided, single submitter. Criteria: Sema4 Curation Guidelines. Collection method: curation. Allele origin: germline.
Comment: The SDHC c.116A>C (p.E39A) variant has not been reported in the literature to our knowledge. It was not observed in the large and broad cohorts of the Genome Aggregation Database (PMID: 32461654). The variant has been reported in ClinVar (Variation ID 407049). Functional studies have not been performed, and in silico predictions of the variant's effect on protein function are inconclusive. The evidence is insufficient to meet ACMG/AMP criteria for classifying the variant as benign or pathogenic. Thus, the clinical significance of this variant is currently uncertain.

NM_003001.5(SDHC):c.116A>C (p.Glu39Ala)

Gene: SDHC (succinate dehydrogenase complex subunit C; plus strand). Cytogenetic location: 1q23.3.
Variant type: single nucleotide variant.
Coding change: c.116A>C on transcript NM_003001.5 (MANE Select); coding-DNA position 116, A replaced by C.
Protein change: p.Glu39Ala; replaces glutamic acid 39 with alanine.
Molecular consequence: missense variant. On other transcripts: non-coding transcript variant (1), intron variant (4).
Genome position (GRCh38, 1-based): chr1:161,328,434, A>C. VCF-style: chr1-161328434-A-C. GRCh37 (hg19) VCF-style: chr1-161298224-A-C.
Other names: c.59A>C, p.Glu20Ala (NM_001407117.1, NM_001407121.1, NM_001407116.1); c.5A>C, p.Glu2Ala (NM_001407119.1, NM_001407120.1); c.77+4764A>C (NM_001035512.3, NM_001278172.3, NM_001407118.1); c.21-12160A>C (NM_001035513.3); c.116A>C, p.Glu39Ala (NM_001035511.3, NM_001407115.1); short protein forms E39A, E20A, E2A.
Identifiers: ClinVar variation 407049 (VCV000407049.11), dbSNP rs1060501388, ClinGen allele CA16609909.